The following is an entry in ClinVar:

NM_170699.3(GPBAR1):c.333C>T (p.Tyr111=)

Gene: GPBAR1 (G protein-coupled bile acid receptor 1; plus strand). Cytogenetic location: 2q35.
Variant type: single nucleotide variant.
Coding change: c.333C>T on transcript NM_170699.3 (MANE Select); coding-DNA position 333, C replaced by T.
Protein change: p.Tyr111=; no amino-acid change (tyrosine 111 retained).
Molecular consequence: synonymous variant.
Genome position (GRCh38, 1-based): chr2:218,263,057, C>T. VCF-style: chr2-218263057-C-T. GRCh37 (hg19) VCF-style: chr2-219127780-C-T.
Other names: c.333C>T, p.Tyr111= (NM_001077191.2, NM_001077194.2, NM_001321950.2); c.333C>T (NM_001321950.1).
Identifiers: ClinVar variation 597155 (VCV000597155.7), dbSNP rs201129128, ClinGen allele CA2102561.

ClinVar aggregate classification (germline): Uncertain significance. Review status: criteria provided, single submitter (1 of 4 stars). 2 submissions from 2 submitters: Uncertain significance (1). 1 of the submissions does not count toward it. Last evaluated 2018-05-11.

Conditions:
GPBAR1-related disorder. Also called: GPBAR1-related condition.

Allele frequency attached by ClinVar (database versions not stated): gnomAD exomes 0.00008 and 0.00012; TOPMed 0.00009; ExAC 0.00010; gnomAD 0.00011; ESP Exome Variant Server 0.00031.
gnomAD v4.1: 138 of 1,613,736 alleles (0.0086%); highest among the groups gnomAD compares: Middle Eastern, 0.033%; no homozygotes.

Submissions (2):

Eurofins Ntd Llc (ga)
Classification: Uncertain significance. Last evaluated: 2018-05-11. Review status: criteria provided, single submitter. Criteria: EGL ClinVar v180209 classification definitions. Collection method: clinical testing. Allele origin: germline. Observed: 2 variant alleles, 2 heterozygotes.

PreventionGenetics, part of Exact Sciences
Classification: Likely benign for GPBAR1-related condition. Last evaluated: 2022-01-31. Review status: no assertion criteria provided. Collection method: clinical testing. Allele origin: germline. Not counted in ClinVar's aggregate classification.
Comment: This variant is classified as likely benign based on ACMG/AMP sequence variant interpretation guidelines (Richards et al. 2015 PMID: 25741868, with internal and published modifications).